The following is an entry in ClinVar:

NM_001242896.3(DEPDC5):c.2800A>G (p.Ser934Gly)

Gene: DEPDC5 (DEP domain containing 5, GATOR1 subcomplex subunit; plus strand). Cytogenetic location: 22q12.3.
Variant type: single nucleotide variant.
Coding change: c.2800A>G on transcript NM_001242896.3 (MANE Select); coding-DNA position 2800, A replaced by G.
Protein change: p.Ser934Gly; replaces serine 934 with glycine.
Molecular consequence: missense variant. On other transcripts: non-coding transcript variant (5).
Genome position (GRCh38, 1-based): chr22:31,843,811, A>G. VCF-style: chr22-31843811-A-G. GRCh37 (hg19) VCF-style: chr22-32239797-A-G.
Other names: c.2773A>G, p.Ser925Gly (NM_001136029.4, NM_001369903.1, NM_014662.6); c.2566A>G, p.Ser856Gly (NM_001242897.2, NM_001363854.2, NM_001364319.2); c.2800A>G, p.Ser934Gly (NM_001363852.2, NM_001364318.2, NM_001364320.2); c.2716A>G, p.Ser906Gly (NM_001369901.1, NM_001369902.1); short protein forms S856G, S906G, S925G, S934G.
Identifiers: ClinVar variation 2504651 (VCV002504651.5), dbSNP rs2520124995, ClinGen allele CA411290309.
Genomic context (GRCh38, chr22:31,843,811, plus strand): 5'-GAGGAGTACAAGTGGAATTACTTAGATCAGTATATCTGTTCTGCCGGCTCTGAAGACTTC[A>G]GGTCAGAGAGTGGGCTTTGGATTTCCATCTTTGCATCCTTGGGCAAGGATGTGTATGTGT-3'
Protein context (NP_001229825.1, residues 924-944): YICSAGSEDF[Ser934Gly]LIESLKFWRT

ClinVar aggregate classification (germline): Conflicting classifications of pathogenicity. Review status: criteria provided, conflicting classifications (1 of 4 stars). 2 submissions from 2 submitters: Likely pathogenic (1); Uncertain significance (1). Last evaluated 2025-02-02.

Conditions:
Familial focal epilepsy with variable foci (FPEVF). Identifiers: Orphanet 98820, MedGen C1858477, MONDO:0020310.
Epilepsy, familial focal, with variable foci 1 (FFEVF1). Also called: DEPDC5-Related Epilepsy. Identifiers: MedGen C4551983, MONDO:0024556, OMIM 604364.

Allele frequency attached by ClinVar (database versions not stated): gnomAD exomes below 0.00001.
gnomAD v4.1: 1 of 1,590,656 alleles (0.000063%); highest among the groups gnomAD compares: Non-Finnish European, 0.000086%; no homozygotes.

Submissions (2):

Labcorp Genetics (formerly Invitae), Labcorp
Classification: Uncertain significance for Familial focal epilepsy with variable foci. Last evaluated: 2025-02-02. Review status: criteria provided, single submitter. Criteria: Invitae Variant Classification Sherloc (09022015). Collection method: clinical testing. Allele origin: germline.
Comment: This sequence change replaces serine, which is neutral and polar, with glycine, which is neutral and non-polar, at codon 934 of the DEPDC5 protein (p.Ser934Gly). This variant is not present in population databases (gnomAD no frequency). This variant has not been reported in the literature in individuals affected with DEPDC5-related conditions. ClinVar contains an entry for this variant (Variation ID: 2504651). Experimental studies and prediction algorithms are not available or were not evaluated, and the functional significance of this variant is currently unknown. Algorithms developed to predict the effect of sequence changes on RNA splicing suggest that this variant may disrupt the consensus splice site. In summary, the available evidence is currently insufficient to determine the role of this variant in disease. Therefore, it has been classified as a Variant of Uncertain Significance.

Laboratory of Functional Genomics, Research Centre for Medical Genetics
Classification: Likely pathogenic for Epilepsy, familial focal, with variable foci 1. Review status: criteria provided, single submitter. Criteria: ACMG Guidelines, 2015. Collection method: clinical testing. Allele origin: inherited. Inheritance: Autosomal dominant inheritance. Affected: yes.
Comment: The variant c.2800A>G in the DEPDC5 gene could be classified as a likely pathogenic variant according to ACMG criteria (PM2, PS3). It is absent from large population studies and databases. We analyzed the c.2800A>G variant using RT-PCR on cDNA obtained from patient's PBMCs. It leads to exon 29 extension by 51 nucleotides and protein elongation due to the insertion of 17 amino acids in the region of the functional SHEN domain.